The following is an entry in ClinVar:

NM_001204.7(BMPR2):c.347G>C (p.Cys116Ser)

Gene: BMPR2 (bone morphogenetic protein receptor type 2; plus strand). Cytogenetic location: 2q33.1.
Variant type: single nucleotide variant.
Coding change: c.347G>C on transcript NM_001204.7 (MANE Select); coding-DNA position 347, G replaced by C.
Protein change: p.Cys116Ser; replaces cysteine 116 with serine.
Molecular consequence: missense variant.
Genome position (GRCh38, 1-based): chr2:202,467,618, G>C. VCF-style: chr2-202467618-G-C. GRCh37 (hg19) VCF-style: chr2-203332341-G-C.
Other names: short protein forms C116S.
Identifiers: ClinVar variation 3719614 (VCV003719614.2).

ClinVar aggregate classification (germline): Likely pathogenic (1 of 4 stars; one submission).

Conditions:
Primary pulmonary hypertension. Also called: Idiopathic pulmonary hypertension. Identifiers: MedGen C0152171.

Submission:

Labcorp Genetics (formerly Invitae), Labcorp
Classification: Likely pathogenic for Primary pulmonary hypertension. Last evaluated: 2024-11-24. Review status: criteria provided, single submitter. Criteria: Invitae Variant Classification Sherloc (09022015). Collection method: clinical testing. Allele origin: germline.
Comment: This sequence change replaces cysteine, which is neutral and slightly polar, with serine, which is neutral and polar, at codon 116 of the BMPR2 protein (p.Cys116Ser). This variant is not present in population databases (gnomAD no frequency). This missense change has been observed in individual(s) with pulmonary hypertension (PMID: 34966542; internal data). Invitae Evidence Modeling of protein sequence and biophysical properties (such as structural, functional, and spatial information, amino acid conservation, physicochemical variation, residue mobility, and thermodynamic stability) indicates that this missense variant is expected to disrupt BMPR2 protein function with a positive predictive value of 95%. This variant disrupts the p.Cys116 amino acid residue in BMPR2. Other variant(s) that disrupt this residue have been observed in individuals with BMPR2-related conditions (PMID: 29650961, 33066286, 35346192; internal data), which suggests that this may be a clinically significant amino acid residue. In summary, the currently available evidence indicates that the variant is pathogenic, but additional data are needed to prove that conclusively. Therefore, this variant has been classified as Likely Pathogenic.

Literature cited by the submitters: PubMed 34966542; PubMed 29650961; PubMed 33066286; PubMed 35346192.